The following is an entry in ClinVar:

ClinVar aggregate classification (germline): Uncertain significance (1 of 4 stars; one submission).

Conditions:
Tay-Sachs disease, variant AB. Also called: Gm2-gangliosidosis, ab variant; GM2 Activator Deficiency. Identifiers: Orphanet 309246, MedGen C0268275, MONDO:0010099, OMIM 272750.

Allele frequency attached by ClinVar (database versions not stated): gnomAD 0.00001; TOPMed 0.00001.
gnomAD v4.1: 5 of 1,613,638 alleles (0.00031%); highest among the groups gnomAD compares: Admixed American, 0.0033%; no homozygotes.

Submission:

Labcorp Genetics (formerly Invitae), Labcorp
Classification: Uncertain significance for Tay-Sachs disease, variant AB. Last evaluated: 2022-07-08. Review status: criteria provided, single submitter. Criteria: Invitae Variant Classification Sherloc (09022015). Collection method: clinical testing. Allele origin: germline.
Comment: In summary, the available evidence is currently insufficient to determine the role of this variant in disease. Therefore, it has been classified as a Variant of Uncertain Significance. Algorithms developed to predict the effect of missense changes on protein structure and function output the following: SIFT: "Tolerated"; PolyPhen-2: "Not Available"; Align-GVGD: "Class C0". The arginine amino acid residue is found in multiple mammalian species, which suggests that this missense change does not adversely affect protein function. This variant has not been reported in the literature in individuals affected with GM2A-related conditions. This variant is present in population databases (rs562249526, gnomAD 0.003%). This sequence change replaces glutamine, which is neutral and polar, with arginine, which is basic and polar, at codon 2 of the GM2A protein (p.Gln2Arg).

NM_000405.5(GM2A):c.5A>G (p.Gln2Arg)

Gene: GM2A (ganglioside GM2 activator; plus strand). Cytogenetic location: 5q33.1.
Variant type: single nucleotide variant.
Coding change: c.5A>G on transcript NM_000405.5 (MANE Select); coding-DNA position 5, A replaced by G.
Protein change: p.Gln2Arg; replaces glutamine 2 with arginine.
Molecular consequence: missense variant.
Genome position (GRCh38, 1-based): chr5:151,253,221, A>G. VCF-style: chr5-151253221-A-G. GRCh37 (hg19) VCF-style: chr5-150632782-A-G.
Other names: c.5A>G, p.Gln2Arg (NM_001167607.3); short protein forms Q2R.
Identifiers: ClinVar variation 2170689 (VCV002170689.4), dbSNP rs562249526, ClinGen allele CA3517826.